The following is an entry in ClinVar:

ClinVar aggregate classification (germline): Conflicting classifications of pathogenicity. Review status: criteria provided, conflicting classifications (1 of 4 stars). 2 submissions from 2 submitters: Likely pathogenic (1); Uncertain significance (1). Last evaluated 2025-04-30.

Conditions:
Congenital neutropenia-myelofibrosis-nephromegaly syndrome. Also called: Severe congenital neutropenia 5, autosomal recessive. Identifiers: Orphanet 369852, MedGen C3809031, MONDO:0014118, OMIM 615285.

Allele frequency attached by ClinVar (database versions not stated): gnomAD 0.00001; TOPMed 0.00001; ExAC 0.00002; gnomAD exomes 0.00002 and 0.00004.

Submissions (2):

Natera, Inc.
Classification: Likely pathogenic for Autosomal recessive severe congenital neutropenia 5. Last evaluated: 2025-04-30. Review status: criteria provided, single submitter. Criteria: Natera Variant Classification Schema (03/2026). Collection method: clinical testing. Allele origin: germline.
Comment: The c.1018C>T variant in VPS45 is a nonsense variant predicted to introduce a stop codon at amino acid 340. This variant is expected to result in nonsense mediated decay, truncation, or a dysfunctional protein product. This variant is rare in the general population with a frequency below the threshold expected for the associated phenotype(s). Given the available evidence, this variant is classified as Likely Pathogenic.

Labcorp Genetics (formerly Invitae), Labcorp
Classification: Uncertain significance for Congenital neutropenia-myelofibrosis-nephromegaly syndrome. Last evaluated: 2022-05-21. Review status: criteria provided, single submitter. Criteria: Invitae Variant Classification Sherloc (09022015). Collection method: clinical testing. Allele origin: germline.
Comment: This sequence change creates a premature translational stop signal (p.Arg340*) in the VPS45 gene. It is expected to result in an absent or disrupted protein product. However, the current clinical and genetic evidence is not sufficient to establish whether loss-of-function variants in VPS45 cause disease. This variant is present in population databases (rs782504130, gnomAD 0.006%). This variant has not been reported in the literature in individuals affected with VPS45-related conditions. ClinVar contains an entry for this variant (Variation ID: 835122). In summary, the available evidence is currently insufficient to determine the role of this variant in disease. Therefore, it has been classified as a Variant of Uncertain Significance.

NM_007259.5(VPS45):c.1018C>T (p.Arg340Ter)

Gene: VPS45 (vacuolar protein sorting 45 homolog; plus strand). Cytogenetic location: 1q21.2.
Variant type: single nucleotide variant.
Coding change: c.1018C>T on transcript NM_007259.5 (MANE Select); coding-DNA position 1018, C replaced by T.
Protein change: p.Arg340Ter; replaces arginine 340 with a stop codon.
Molecular consequence: nonsense. On other transcripts: non-coding transcript variant (1).
Genome position (GRCh38, 1-based): chr1:150,082,797, C>T. VCF-style: chr1-150082797-C-T. GRCh37 (hg19) VCF-style: chr1-150054881-C-T.
Other names: c.703C>T, p.Arg235Ter (NM_001279353.2); c.910C>T, p.Arg304Ter (NM_001279354.2); short protein forms R235*, R304*, R340*.
Identifiers: ClinVar variation 835122 (VCV000835122.5), dbSNP rs782504130, ClinGen allele CA1073286.